The following is an entry in ClinVar:

NM_000053.4(ATP7B):c.800A>G (p.His267Arg)

Gene: ATP7B (ATPase copper transporting beta; minus strand). Cytogenetic location: 13q14.3.
Variant type: single nucleotide variant.
Coding change: c.800A>G on transcript NM_000053.4 (MANE Select); coding-DNA position 800, A replaced by G.
Protein change: p.His267Arg; replaces histidine 267 with arginine.
Molecular consequence: missense variant.
Genome position (GRCh38, 1-based): chr13:51,974,420, T>C on the plus strand (A>G on the coding strand, the complement: ATP7B is on the minus strand). VCF-style: chr13-51974420-T-C. GRCh37 (hg19) VCF-style: chr13-52548556-T-C.
Other names: c.800A>G, p.His267Arg (NM_001005918.3, NM_001330578.2, NM_001330579.2 and 30 more transcripts); c.704A>G, p.His235Arg (NM_001406517.1, NM_001406518.1, NM_001406530.1 and 4 more transcripts); short protein forms H235R, H267R.
Identifiers: ClinVar variation 3072411 (VCV003072411.1), dbSNP rs2547818535, ClinGen allele CA388041311.
Genomic context (GRCh38, chr13:51,974,420, plus strand): 5'-CTTTGAACCCCTAGGAGCTGGCCAATATTTTCTTCAATATTCAAGACGCAAGACTTACAA[T>C]GCATTCCATCTATTCTCAGTTGGAGGGTGACCACATGGCTTCCTTGGTGCCCCAAGGTCT-3'
Protein context (NP_000044.2, residues 257-277): VTLQLRIDGM[His267Arg]CKSCVLNIEE

ClinVar aggregate classification (germline): Uncertain significance (1 of 4 stars; one submission).

Conditions:
Wilson disease (WND). Also called: Wilson's disease. Identifiers: Orphanet 905, MedGen C0019202, MONDO:0010200, OMIM 277900. Disease mechanism: loss of function.

Allele frequency attached by ClinVar (database versions not stated): gnomAD exomes 0.00001.
gnomAD v4.1: 8 of 1,614,030 alleles (0.0005%); highest among the groups gnomAD compares: Non-Finnish European, 0.00068%; no homozygotes.

Submission:

All of Us Research Program, National Institutes of Health
Classification: Uncertain significance for Wilson disease. Last evaluated: 2023-11-16. Review status: criteria provided, single submitter. Criteria: ACMG Guidelines, 2015. Collection method: clinical testing. Allele origin: germline. Inheritance: Autosomal recessive inheritance. Observed: 1 variant allele, 1 heterozygote.
Comment: This study involves interpretation of variants in research participants for the purpose of population health screening. Participant phenotype was not available at the time of variant classification. Additional details can be found in publication PMID: 35346344, PMCID: PMC8962531